The following is an entry in ClinVar:

ClinVar aggregate classification (germline): Uncertain significance. Review status: criteria provided, multiple submitters, no conflicts (2 of 4 stars). 2 submissions from 2 submitters: Uncertain significance (2). Last evaluated 2025-05-22.

Conditions:
Singleton-Merten syndrome 1 (SGMRT1). Also called: Widened medullary cavities of bone, aortic calcification, abnormal dentition, and muscular weakness; Syndrome of widened medullary cavities of the metacarpals and phalanges, aortic calcification and abnormal dentition. Identifiers: Orphanet 85191, MedGen C4225427, MONDO:0024535, OMIM 182250.
Aicardi-Goutieres syndrome 7 (AGS7). Identifiers: Orphanet 51, MedGen C3888244, MONDO:0014367, OMIM 615846.

Allele frequency attached by ClinVar (database versions not stated): gnomAD exomes below 0.00001.
gnomAD v4.1: 2 of 1,611,600 alleles (0.00012%); highest among the groups gnomAD compares: South Asian, 0.0011%; no homozygotes.

Submissions (2):

Labcorp Genetics (formerly Invitae), Labcorp
Classification: Uncertain significance for Aicardi-Goutieres syndrome 7; Singleton-Merten syndrome 1. Last evaluated: 2025-05-22. Review status: criteria provided, single submitter. Criteria: Invitae Variant Classification Sherloc (09022015). Collection method: clinical testing. Allele origin: germline.
Comment: This sequence change replaces valine, which is neutral and non-polar, with alanine, which is neutral and non-polar, at codon 404 of the IFIH1 protein (p.Val404Ala). This variant is not present in population databases (gnomAD no frequency). This variant has not been reported in the literature in individuals affected with IFIH1-related conditions. ClinVar contains an entry for this variant (Variation ID: 1486588). Invitae Evidence Modeling of protein sequence and biophysical properties (such as structural, functional, and spatial information, amino acid conservation, physicochemical variation, residue mobility, and thermodynamic stability) has been performed for this missense variant. However, the output from this modeling did not meet the statistical confidence thresholds required to predict the impact of this variant on IFIH1 protein function. In summary, the available evidence is currently insufficient to determine the role of this variant in disease. Therefore, it has been classified as a Variant of Uncertain Significance.

Blueprint Genetics
Classification: Uncertain significance. Last evaluated: 2021-02-02. Review status: criteria provided, single submitter. Criteria: ACMG Guidelines, 2015. Collection method: clinical testing. Allele origin: germline.

NM_022168.4(IFIH1):c.1211T>C (p.Val404Ala)

Gene: IFIH1 (interferon induced with helicase C domain 1; minus strand). Cytogenetic location: 2q24.2.
Variant type: single nucleotide variant.
Coding change: c.1211T>C on transcript NM_022168.4 (MANE Select); coding-DNA position 1211, T replaced by C.
Protein change: p.Val404Ala; replaces valine 404 with alanine.
Molecular consequence: missense variant.
Genome position (GRCh38, 1-based): chr2:162,282,461, A>G on the plus strand (T>C on the coding strand, the complement: IFIH1 is on the minus strand). VCF-style: chr2-162282461-A-G. GRCh37 (hg19) VCF-style: chr2-163138971-A-G.
Other names: short protein forms V404A.
Identifiers: ClinVar variation 1486588 (VCV001486588.9), dbSNP rs111797285, ClinGen allele CA59665876.